The following is an entry in ClinVar:

ClinVar aggregate classification (germline): Uncertain significance (1 of 4 stars; one submission).

Allele frequency attached by ClinVar (database versions not stated): gnomAD exomes below 0.00001; ExAC 0.00001.
gnomAD v4.1: 13 of 1,603,482 alleles (0.00081%); highest among the groups gnomAD compares: East Asian, 0.0023%; no homozygotes.

Submission:

GeneDx
Classification: Uncertain significance. Last evaluated: 2018-09-05. Review status: criteria provided, single submitter. Criteria: GeneDx Variant Classification (06012015). Collection method: clinical testing. Allele origin: germline. Affected: yes.
Comment: The R386W variant in the ASAH1 gene has been reported in association with schizophrenia risk (Genovese et al., 2016); however, further research is needed to evaluate this correlation. The R386W variant is not observed at a significant frequency in large population cohorts (Lek et al., 2016). The R386W variant is a non-conservative amino acid substitution, which is likely to impact secondary protein structure as these residues differ in polarity, charge, size and/or other properties. In-silico analyses, including protein predictors and evolutionary conservation, support a deleterious effect. We interpret R386W as a variant of uncertain significance.

NM_177924.5(ASAH1):c.1156C>T (p.Arg386Trp)

Gene: ASAH1 (N-acylsphingosine amidohydrolase 1; minus strand). Cytogenetic location: 8p22.
Variant type: single nucleotide variant.
Coding change: c.1156C>T on transcript NM_177924.5 (MANE Select); coding-DNA position 1156, C replaced by T.
Protein change: p.Arg386Trp; replaces arginine 386 with tryptophan.
Molecular consequence: missense variant.
Genome position (GRCh38, 1-based): chr8:18,057,566, G>A on the plus strand (C>T on the coding strand, the complement: ASAH1 is on the minus strand). VCF-style: chr8-18057566-G-A. GRCh37 (hg19) VCF-style: chr8-17915075-G-A.
Other names: c.1138C>T, p.Arg380Trp (NM_001127505.3); c.961C>T, p.Arg321Trp (NM_001363743.2); c.1204C>T, p.Arg402Trp (NM_004315.6); short protein forms R380W, R386W, R321W, R402W.
Identifiers: ClinVar variation 691801 (VCV000691801.1), dbSNP rs773025886, ClinGen allele CA4650495.